The following is an entry in ClinVar:

ClinVar aggregate classification (germline): Uncertain significance (1 of 4 stars; one submission).

Allele frequency attached by ClinVar (database versions not stated): gnomAD 0.00001; gnomAD exomes 0.00001; TOPMed 0.00002; ExAC 0.00003.
gnomAD v4.1: 15 of 1,611,080 alleles (0.00093%); highest among the groups gnomAD compares: Admixed American, 0.012%; no homozygotes.

Submission:

Labcorp Genetics (formerly Invitae), Labcorp
Classification: Uncertain significance. Last evaluated: 2022-08-06. Review status: criteria provided, single submitter. Criteria: Invitae Variant Classification Sherloc (09022015). Collection method: clinical testing. Allele origin: germline.
Comment: This sequence change replaces asparagine, which is neutral and polar, with aspartic acid, which is acidic and polar, at codon 1244 of the PCDH15 protein (p.Asn1244Asp). This variant is present in population databases (rs751276226, gnomAD 0.01%). This variant has not been reported in the literature in individuals affected with PCDH15-related conditions. Algorithms developed to predict the effect of missense changes on protein structure and function are either unavailable or do not agree on the potential impact of this missense change (SIFT: "Tolerated"; PolyPhen-2: "Possibly Damaging"; Align-GVGD: "Class C0"). In summary, the available evidence is currently insufficient to determine the role of this variant in disease. Therefore, it has been classified as a Variant of Uncertain Significance.

NM_001384140.1(PCDH15):c.3730A>G (p.Asn1244Asp)

Gene: PCDH15 (protocadherin related 15; minus strand). Cytogenetic location: 10q21.1.
Variant type: single nucleotide variant.
Coding change: c.3730A>G on transcript NM_001384140.1 (MANE Select); coding-DNA position 3730, A replaced by G.
Protein change: p.Asn1244Asp; replaces asparagine 1244 with aspartic acid.
Molecular consequence: missense variant.
Genome position (GRCh38, 1-based): chr10:53,857,251, T>C on the plus strand (A>G on the coding strand, the complement: PCDH15 is on the minus strand). VCF-style: chr10-53857251-T-C. GRCh37 (hg19) VCF-style: chr10-55617011-T-C.
Other names: c.3745A>G, p.Asn1249Asp (NM_001142763.2, NM_001142771.2); c.3730A>G, p.Asn1244Asp (NM_001142764.2, NM_001142766.2, NM_001142770.3 and 4 more transcripts); c.3517A>G, p.Asn1173Asp (NM_001142765.2); c.3619A>G, p.Asn1207Asp (NM_001142767.2); c.3664A>G, p.Asn1222Asp (NM_001142768.2, NM_001142773.2, NM_001354404.2); c.3766A>G, p.Asn1256Asp (NM_001142769.4); c.3751A>G, p.Asn1251Asp (NM_001354411.2); short protein forms N1244D, N1256D, N1173D, N1222D, N1207D, N1249D, N1251D.
Identifiers: ClinVar variation 2146392 (VCV002146392.1), dbSNP rs751276226, ClinGen allele CA5505564.